The following is an entry in ClinVar:

NM_003545.4(H4C5):c.63G>A (p.Lys21=)

Genes: H4C5 (H4 clustered histone 5; plus strand), LOC129996027 (ATAC-STARR-seq lymphoblastoid active region 24208; plus strand). Cytogenetic location: 6p22.2.
Variant type: single nucleotide variant.
Coding change: c.63G>A on transcript NM_003545.4 (MANE Select); coding-DNA position 63, G replaced by A.
Protein change: p.Lys21=; no amino-acid change (lysine 21 retained).
Molecular consequence: synonymous variant.
Genome position (GRCh38, 1-based): chr6:26,204,707, G>A. VCF-style: chr6-26204707-G-A. GRCh37 (hg19) VCF-style: chr6-26204935-G-A.
Identifiers: ClinVar variation 5039277 (VCV005039277.1).
Genomic context (GRCh38, chr6:26,204,707, plus strand): 5'-GTCTGGTCGCGGCAAAGGCGGAAAGGGACTGGGTAAAGGAGGCGCTAAGCGTCACCGTAA[G>A]GTCCTGCGAGATAACATCCAGGGCATTACCAAGCCTGCCATCCGGCGCCTTGCTCGTCGC-3'
Protein context (NP_003536.1, residues 11-31): LGKGGAKRHR[Lys21=]VLRDNIQGIT

ClinVar aggregate classification (germline): Likely benign (1 of 4 stars; one submission).

Submission:

CeGaT Center for Human Genetics Tuebingen
Classification: Likely benign. Last evaluated: 2026-08-01. Review status: criteria provided, single submitter. Criteria: CeGaT Center For Human Genetics Tuebingen Variant Classification Criteria Version 2. Collection method: clinical testing. Allele origin: germline. Affected: yes. Observed: 1 variant allele.
Comment: H4C5: BP4, BP7